The following is an entry in ClinVar:

ClinVar aggregate classification (germline): Uncertain significance. Review status: criteria provided, multiple submitters, no conflicts (2 of 4 stars). 2 submissions from 2 submitters: Uncertain significance (2). Last evaluated 2023-11-17.

Conditions:
Hajdu-Cheney syndrome (HJCYS). Also called: SERPENTINE FIBULA-POLYCYSTIC KIDNEY SYNDROME; ACROOSTEOLYSIS WITH OSTEOPOROSIS AND CHANGES IN SKULL AND MANDIBLE; Acroosteolysis dominant type. Identifiers: Orphanet 955, MedGen C0917715, MONDO:0007057, OMIM 102500.

Allele frequency attached by ClinVar (database versions not stated): gnomAD exomes below 0.00001; ExAC 0.00001; gnomAD 0.00001; TOPMed 0.00001.
gnomAD v4.1: 8 of 1,613,622 alleles (0.0005%); highest among the groups gnomAD compares: Non-Finnish European, 0.00068%; no homozygotes.

Submissions (2):

Women's Health and Genetics/Laboratory Corporation of America, LabCorp
Classification: Uncertain significance. Last evaluated: 2023-11-17. Review status: criteria provided, single submitter. Criteria: LabCorp Variant Classification Summary - May 2015. Collection method: clinical testing. Allele origin: germline.
Comment: Variant summary: NOTCH2 c.5705A>G (p.Asp1902Gly) results in a non-conservative amino acid change in the encoded protein sequence. Five of five in-silico tools predict a damaging effect of the variant on protein function. The variant allele was found at a frequency of 4e-06 in 251376 control chromosomes (gnomAD). The available data on variant occurrences in the general population are insufficient to allow any conclusion about variant significance. To our knowledge, no occurrence of c.5705A>G in individuals affected with Hajdu-Cheney Syndrome and no experimental evidence demonstrating its impact on protein function have been reported. One submitter has cited a clinical-significance assessment for this variant to ClinVar after 2014 and has classified the variant as uncertain significance. Based on the evidence outlined above, the variant was classified as uncertain significance.

Labcorp Genetics (formerly Invitae), Labcorp
Classification: Uncertain significance for Hajdu-Cheney syndrome. Last evaluated: 2022-03-24. Review status: criteria provided, single submitter. Criteria: Invitae Variant Classification Sherloc (09022015). Collection method: clinical testing. Allele origin: germline.
Comment: This variant has not been reported in the literature in individuals affected with NOTCH2-related conditions. In summary, the available evidence is currently insufficient to determine the role of this variant in disease. Therefore, it has been classified as a Variant of Uncertain Significance. Algorithms developed to predict the effect of missense changes on protein structure and function (SIFT, PolyPhen-2, Align-GVGD) all suggest that this variant is likely to be disruptive. This sequence change replaces aspartic acid, which is acidic and polar, with glycine, which is neutral and non-polar, at codon 1902 of the NOTCH2 protein (p.Asp1902Gly). This variant is present in population databases (rs767105542, gnomAD 0.0009%).

NM_024408.4(NOTCH2):c.5705A>G (p.Asp1902Gly)

Gene: NOTCH2 (notch receptor 2; minus strand). Cytogenetic location: 1p12.
Variant type: single nucleotide variant.
Coding change: c.5705A>G on transcript NM_024408.4 (MANE Select); coding-DNA position 5705, A replaced by G.
Protein change: p.Asp1902Gly; replaces aspartic acid 1902 with glycine.
Molecular consequence: missense variant.
Genome position (GRCh38, 1-based): chr1:119,919,388, T>C on the plus strand (A>G on the coding strand, the complement: NOTCH2 is on the minus strand). VCF-style: chr1-119919388-T-C. GRCh37 (hg19) VCF-style: chr1-120462011-T-C.
Other names: short protein forms D1902G.
Identifiers: ClinVar variation 1945032 (VCV001945032.6), dbSNP rs767105542, ClinGen allele CA1039582.